The following is an entry in ClinVar:

NM_014244.5(ADAMTS2):c.3339C>T (p.His1113=)

Gene: ADAMTS2 (ADAM metallopeptidase with thrombospondin type 1 motif 2; minus strand). Cytogenetic location: 5q35.3.
Variant type: single nucleotide variant.
Coding change: c.3339C>T on transcript NM_014244.5 (MANE Select); coding-DNA position 3339, C replaced by T.
Protein change: p.His1113=; no amino-acid change (histidine 1113 retained).
Molecular consequence: synonymous variant.
Genome position (GRCh38, 1-based): chr5:179,114,164, G>A on the plus strand (C>T on the coding strand, the complement: ADAMTS2 is on the minus strand). VCF-style: chr5-179114164-G-A. GRCh37 (hg19) VCF-style: chr5-178541165-G-A.
Identifiers: ClinVar variation 1121671 (VCV001121671.15), dbSNP rs780346183, ClinGen allele CA3595253.
Genomic context (GRCh38, chr5:179,114,164, plus strand): 5'-CCGCACCTCCATGGCTACAGTGGGCACTGGGAGGGTAGGCATGAACACGTCAATGTCGTT[G>A]TGCTTCCCAGGCGGTGGCTCTATCCTGCCCTCCACGTTGGTGAGGTTGTTGTACAGGTTA-3'
Protein context (NP_055059.2, residues 1103-1123): EGRIEPPPGK[His1113=]NDIDVFMPTL

ClinVar aggregate classification (germline): Likely benign. Review status: criteria provided, multiple submitters, no conflicts (2 of 4 stars). 4 submissions from 4 submitters: Likely benign (3). 1 of the submissions does not count toward it. Last evaluated 2026-02-04.

Conditions:
ADAMTS2-related disorder. Also called: ADAMTS2-related condition.
Ehlers-Danlos syndrome, dermatosparaxis type. Also called: EDS VIIC; Ehlers-Danlos syndrome, type VII, autosomal recessive; Dermatosparaxis. Identifiers: Orphanet 1901, MedGen C2700425, MONDO:0009161, OMIM 225410.

Allele frequency attached by ClinVar (database versions not stated): ExAC 0.00001; TOPMed 0.00001; gnomAD exomes 0.00002 and 0.00006.
gnomAD v4.1: 38 of 1,612,548 alleles (0.0024%); highest among the groups gnomAD compares: Non-Finnish European, 0.0031%; no homozygotes.

Submissions (4):

Labcorp Genetics (formerly Invitae), Labcorp
Classification: Likely benign for Ehlers-Danlos syndrome, dermatosparaxis type. Last evaluated: 2026-02-04. Review status: criteria provided, single submitter. Criteria: Invitae Variant Classification Sherloc (09022015). Collection method: clinical testing. Allele origin: germline.

Blueprint Genetics
Classification: Likely benign. Last evaluated: 2024-10-24. Review status: criteria provided, single submitter. Criteria: ACMG Guidelines, 2015. Collection method: clinical testing. Allele origin: germline.

GeneDx
Classification: Likely benign. Last evaluated: 2020-01-14. Review status: criteria provided, single submitter. Criteria: GeneDx Variant Classification Process June 2021. Collection method: clinical testing. Allele origin: germline. Affected: yes.

PreventionGenetics, part of Exact Sciences
Classification: Likely benign for ADAMTS2-related condition. Last evaluated: 2022-06-20. Review status: no assertion criteria provided. Collection method: clinical testing. Allele origin: germline. Not counted in ClinVar's aggregate classification.
Comment: This variant is classified as likely benign based on ACMG/AMP sequence variant interpretation guidelines (Richards et al. 2015 PMID: 25741868, with internal and published modifications).